The following is an entry in ClinVar:

ClinVar aggregate classification (germline): Pathogenic (1 of 4 stars; one submission).

Conditions:
Hereditary hyperekplexia. Identifiers: Orphanet 3197, MedGen C4084968, MONDO:0021022.

Allele frequency attached by ClinVar (database versions not stated): gnomAD exomes below 0.00001.

Submission:

Labcorp Genetics (formerly Invitae), Labcorp
Classification: Pathogenic for Hereditary hyperekplexia. Last evaluated: 2024-07-04. Review status: criteria provided, single submitter. Criteria: Invitae Variant Classification Sherloc (09022015). Collection method: clinical testing. Allele origin: germline.
Comment: This sequence change creates a premature translational stop signal (p.Ile139Serfs*8) in the GLRA1 gene. It is expected to result in an absent or disrupted protein product. Loss-of-function variants in GLRA1 are known to be pathogenic (PMID: 20631190, 24108130). This variant is not present in population databases (gnomAD no frequency). This variant has not been reported in the literature in individuals affected with GLRA1-related conditions. For these reasons, this variant has been classified as Pathogenic.

Literature cited by the submitters: PubMed 20631190; PubMed 24108130.

NM_000171.4(GLRA1):c.415del (p.Ile139fs)

Gene: GLRA1 (glycine receptor alpha 1; minus strand). Cytogenetic location: 5q33.1.
Variant type: Deletion.
Coding change: c.415del on transcript NM_000171.4 (MANE Select); coding-DNA position 415, one base deleted (A; older notation c.415delA).
Protein change: p.Ile139fs; shifts the reading frame from isoleucine 139.
Molecular consequence: frameshift variant.
Genome position (GRCh38, 1-based): chr5:151,859,846, T deleted on the plus strand (A on the coding strand, the reverse complement: GLRA1 is on the minus strand). VCF-style (leftmost placement, unchanged base first): chr5-151859845-AT-A. GRCh37 (hg19) VCF-style: chr5-151239406-AT-A.
Other names: c.415del, p.Ile139fs (NM_001146040.2); c.166del, p.Ile56fs (NM_001292000.2); short protein forms I56fs, I139fs.
Identifiers: ClinVar variation 3013590 (VCV003013590.3), dbSNP rs2479991143, ClinGen allele CA2578460524.